The following is an entry in ClinVar:

ClinVar aggregate classification (germline): Uncertain significance. Review status: criteria provided, multiple submitters, no conflicts (2 of 4 stars). 2 submissions from 2 submitters: Uncertain significance (2). Last evaluated 2024-10-08.

Conditions:
Inborn genetic diseases. Identifiers: MedGen C0950123, MeSH D030342.
Rafiq syndrome (RAFQS). Identifiers: Orphanet 88616, MedGen C3280127, MONDO:0013624, OMIM 614202.

Allele frequency attached by ClinVar (database versions not stated): ExAC 0.00002; gnomAD 0.00008; TOPMed 0.00009; ESP Exome Variant Server 0.00015.
gnomAD v4.1: 115 of 1,613,280 alleles (0.0071%); highest among the groups gnomAD compares: African/African-American, 0.015%; no homozygotes.

Submissions (2):

Labcorp Genetics (formerly Invitae), Labcorp
Classification: Uncertain significance for Rafiq syndrome. Last evaluated: 2024-10-08. Review status: criteria provided, single submitter. Criteria: Invitae Variant Classification Sherloc (09022015). Collection method: clinical testing. Allele origin: germline.
Comment: This sequence change replaces arginine, which is basic and polar, with glutamine, which is neutral and polar, at codon 561 of the MAN1B1 protein (p.Arg561Gln). This variant is present in population databases (rs369011797, gnomAD 0.008%). This variant has not been reported in the literature in individuals affected with MAN1B1-related conditions. ClinVar contains an entry for this variant (Variation ID: 2389371). An algorithm developed to predict the effect of missense changes on protein structure and function outputs the following: PolyPhen-2: "Benign". The glutamine amino acid residue is found in multiple mammalian species, which suggests that this missense change does not adversely affect protein function. In summary, the available evidence is currently insufficient to determine the role of this variant in disease. Therefore, it has been classified as a Variant of Uncertain Significance.

Ambry Genetics
Classification: Uncertain significance for Inborn genetic diseases. Last evaluated: 2024-01-03. Review status: criteria provided, single submitter. Criteria: Ambry Variant Classification Scheme 2023. Collection method: clinical testing. Allele origin: germline.

NM_016219.5(MAN1B1):c.1682G>A (p.Arg561Gln)

Gene: MAN1B1 (mannosidase alpha class 1B member 1; plus strand). Cytogenetic location: 9q34.3.
Variant type: single nucleotide variant.
Coding change: c.1682G>A on transcript NM_016219.5 (MANE Select); coding-DNA position 1682, G replaced by A.
Protein change: p.Arg561Gln; replaces arginine 561 with glutamine.
Molecular consequence: missense variant. On other transcripts: non-coding transcript variant (2).
Genome position (GRCh38, 1-based): chr9:137,107,365, G>A. VCF-style: chr9-137107365-G-A. GRCh37 (hg19) VCF-style: chr9-140001817-G-A.
Other names: c.1574G>A, p.Arg525Gln (NM_007230.1); short protein forms R561Q, R525Q.
Identifiers: ClinVar variation 2389371 (VCV002389371.4), dbSNP rs369011797, ClinGen allele CA5359329.
Genomic context (GRCh38, chr9:137,107,365, plus strand): 5'-TGCCCGCCAGCCACATGGAGCTGGCCCAGGAGCTCATGGAGACTTGTTACCAGATGAACC[G>A]GCAGATGGAGACGGGGCTGAGTCCCGAGATCGTGCACTTCAACCTTTACCCCCAGCCGGG-3'
Protein context (NP_057303.2, residues 551-571): ELMETCYQMN[Arg561Gln]QMETGLSPEI